The following is an entry in ClinVar:

NM_001378454.1(ALMS1):c.5418C>T (p.Tyr1806=)

Gene: ALMS1 (ALMS1 centrosome and basal body associated protein; plus strand). Cytogenetic location: 2p13.1.
Variant type: single nucleotide variant.
Coding change: c.5418C>T on transcript NM_001378454.1 (MANE Select); coding-DNA position 5418, C replaced by T.
Protein change: p.Tyr1806=; no amino-acid change (tyrosine 1806 retained).
Molecular consequence: synonymous variant.
Genome position (GRCh38, 1-based): chr2:73,451,945, C>T. VCF-style: chr2-73451945-C-T. GRCh37 (hg19) VCF-style: chr2-73679072-C-T.
Other names: c.5421C>T, p.Tyr1807= (NM_015120.4).
Identifiers: ClinVar variation 4274926 (VCV004274926.2).
Genomic context (GRCh38, chr2:73,451,945, plus strand): 5'-AAATGTTCCTGGACCAGCTGACCAGAAGACTGGGGTATCAACAGTAACCTCTACTTCCTA[C>T]TCACACAGAGAGAAGCCCATTGTTTCCTACCAGCGAGAGTTGCCGCATTTTACTGAAGCA-3'
Protein context (NP_001365383.1, residues 1796-1816): TGVSTVTSTS[Tyr1806=]SHREKPIVSY

ClinVar aggregate classification (germline): Likely benign. Review status: criteria provided, multiple submitters, no conflicts (2 of 4 stars). 2 submissions from 2 submitters: Likely benign (2). Last evaluated 2025-07-06.

Conditions:
ALMS1-related disorder. Also called: ALMS1-related condition.
Cardiovascular phenotype. Identifiers: MedGen CN230736.

gnomAD v4.1: 2 of 1,613,998 alleles (0.00012%); highest among the groups gnomAD compares: South Asian, 0.0011%; no homozygotes.

Submissions (2):

Ambry Genetics
Classification: Likely benign for Cardiovascular phenotype. Last evaluated: 2025-07-06. Review status: criteria provided, single submitter. Criteria: Ambry Variant Classification Scheme 2023. Collection method: clinical testing. Allele origin: germline.

PreventionGenetics, part of Exact Sciences
Classification: Likely benign for ALMS1-related condition. Last evaluated: 2024-11-07. Review status: criteria provided, single submitter. Criteria: ACMG Guidelines, 2015. Collection method: clinical testing. Allele origin: germline.
Comment: This variant is classified as likely benign based on ACMG/AMP sequence variant interpretation guidelines (Richards et al. 2015 PMID: 25741868, with internal and published modifications).